The following is an entry in ClinVar:

ClinVar aggregate classification (germline): Uncertain significance (1 of 4 stars; one submission).

Conditions:
Inborn genetic diseases. Identifiers: MedGen C0950123, MeSH D030342.

gnomAD v4.1: 21 of 1,613,758 alleles (0.0013%); highest among the groups gnomAD compares: Non-Finnish European, 0.0016%; no homozygotes.

Submission:

Ambry Genetics
Classification: Uncertain significance for Inborn genetic diseases. Last evaluated: 2026-05-26. Review status: criteria provided, single submitter. Criteria: Ambry Variant Classification Scheme 2023. Collection method: clinical testing. Allele origin: germline.
Comment: The c.1241C>T (p.P414L) alteration is located in exon 9 (coding exon 9) of the WDR11 gene. This alteration results from a C to T substitution at nucleotide position 1241, causing the proline (P) at amino acid position 414 to be replaced by a leucine (L). Based on data from gnomAD, the T allele has an overall frequency of <0.001% (1/251356) total alleles studied. The highest observed frequency was 0.001% (1/113684) of European (non-Finnish) alleles. Based on insufficient or conflicting evidence, the clinical significance of this alteration remains unclear.

NM_018117.12(WDR11):c.1241C>T (p.Pro414Leu)

Gene: WDR11 (WD repeat domain 11; plus strand). Cytogenetic location: 10q26.12.
Variant type: single nucleotide variant.
Coding change: c.1241C>T on transcript NM_018117.12 (MANE Select); coding-DNA position 1241, C replaced by T.
Protein change: p.Pro414Leu; replaces proline 414 with leucine.
Molecular consequence: missense variant.
Genome position (GRCh38, 1-based): chr10:120,867,116, C>T. VCF-style: chr10-120867116-C-T. GRCh37 (hg19) VCF-style: chr10-122626628-C-T.
Other names: short protein forms P414L.
Identifiers: ClinVar variation 4866483 (VCV004866483.1).